The following is an entry in ClinVar:

ClinVar aggregate classification (germline): Uncertain significance (1 of 4 stars; one submission).

Submission:

Dasa
Classification: Uncertain significance. Last evaluated: 2025-08-11. Review status: criteria provided, single submitter. Criteria: DASA Assertion Criteria. Collection method: clinical testing. Allele origin: germline.
Comment: NM_000088.4(COL1A1):c.588+4del is a splice-region variant predicted to affect normal RNA splicing. This variant affects a splice-region context with prior evidence supporting clinical relevance. This variant is absent from population databases. Computational prediction algorithms are consistent with a deleterious effect. The currently available literature and clinical evidence are not sufficient to establish a definitive association between this variant and the reported condition. Therefore, this variant is classified as a variant of uncertain significance.

NM_000088.4(COL1A1):c.588+4del

Gene: COL1A1 (collagen type I alpha 1 chain; minus strand). Cytogenetic location: 17q21.33.
Variant type: Deletion.
Coding change: c.588+4del on transcript NM_000088.4 (MANE Select); 4 bases into the intron after coding-DNA position 588, one base deleted (A; older notation c.588+4delA).
Molecular consequence: intron variant.
Genome position (GRCh38, 1-based): chr17:50,198,157, T deleted on the plus strand (A on the coding strand, the reverse complement: COL1A1 is on the minus strand). VCF-style (leftmost placement, unchanged base first): chr17-50198156-CT-C. GRCh37 (hg19) VCF-style: chr17-48275517-CT-C.
Identifiers: ClinVar variation 4886287 (VCV004886287.2).